The following is an entry in ClinVar:

NM_001370259.2(MEN1):c.1330del (p.Ser443_Leu444insTer)

Gene: MEN1 (menin 1; minus strand). Cytogenetic location: 11q13.1.
Variant type: Deletion.
Coding change: c.1330del on transcript NM_001370259.2 (MANE Select); coding-DNA position 1330, one base deleted (C; older notation c.1330delC).
Protein change: p.Ser443_Leu444insTer.
Molecular consequence: nonsense.
Genome position (GRCh38, 1-based): chr11:64,805,054, G deleted on the plus strand (C on the coding strand, the reverse complement: MEN1 is on the minus strand); the first of 3 consecutive G bases (chr11:64,805,054-64,805,056); deleting any one gives the same sequence. VCF-style (leftmost placement, unchanged base first): chr11-64805053-AG-A. GRCh37 (hg19) VCF-style: chr11-64572525-AG-A.
Other names: c.1330delC (NM_130799.2); c.1345del, p.Ser448_Leu449insTer (NM_000244.4, NM_130800.3, NM_130801.3 and 3 more transcripts); c.1456del, p.Ser485_Leu486insTer (NM_001370251.2); c.1330del, p.Ser443_Leu444insTer (NM_001370260.2, NM_001370261.2, NM_130799.3); c.1225del, p.Ser408_Leu409insTer (NM_001370262.2, NM_001370263.2).
Identifiers: ClinVar variation 428062 (VCV000428062.6), dbSNP rs1114167520, ClinGen allele CA645369571.
Genomic context (GRCh38, chr11:64,805,053, plus strand): 5'-ACCACCTGTAGTGCCCAGACCTCTGTGCAGCTGTCCCTCACCTGTCCCTCAAAACGGCCT[AG>A]GGACTGCACAAGAAAGGTGGCCCAGCCCACATGCAGCACAGGCGTGGGACTGCCCTCCTC-3'

ClinVar aggregate classification (germline): Pathogenic (1 of 4 stars; one submission).

Conditions:
Hereditary cancer-predisposing syndrome. Also called: Hereditary Cancer Syndrome; Neoplastic Syndromes, Hereditary; Hereditary neoplastic syndrome; Tumor predisposition. Identifiers: Orphanet 140162, MedGen C0027672, MeSH D009386, MONDO:0015356.

Submission:

Ambry Genetics
Classification: Pathogenic for Hereditary cancer-predisposing syndrome. Last evaluated: 2015-07-06. Review status: criteria provided, single submitter. Criteria: Ambry Variant Classification Scheme 2023. Collection method: clinical testing. Allele origin: germline.
Comment: The c.1330delC pathogenic mutation, located in coding exon 8 of the MEN1 gene, results from a deletion of one nucleotide at position 1330, causing a translational frameshift with a predicted alternate stop codon. Since frameshifts are typically deleterious in nature, this alteration is interpreted as a disease-causing mutation (ACMG Recommendations for Standards for Interpretation and Reporting of Sequence Variations. Revision 2007. Genet Med. 2008;10:294).